The following is an entry in ClinVar:

NM_003919.3(SGCE):c.390+2T>C

Genes: CASD1 (CAS1 domain sialic acid O acetyltransferase 1; plus strand), SGCE (sarcoglycan epsilon; minus strand). Cytogenetic location: 7q21.3.
Variant type: single nucleotide variant.
Coding change: c.390+2T>C on transcript NM_003919.3 (MANE Select); the canonical splice donor site of the intron after coding-DNA position 390, T replaced by C.
Molecular consequence: splice donor variant.
Genome position (GRCh38, 1-based): chr7:94,628,200, A>G on the plus strand (T>C on the coding strand, the complement: SGCE is on the minus strand). VCF-style: chr7-94628200-A-G. GRCh37 (hg19) VCF-style: chr7-94257512-A-G.
Other names: c.267+2T>C (NM_001362809.2, NM_001301139.2); c.390+2T>C (NM_001346717.2, NM_001099400.2, NM_001099401.2); c.498+2T>C (NM_001346715.2, NM_001346713.2); c.303+2T>C (NM_001362807.2, NM_001346719.2); c.117+2T>C (NM_001362808.2, NM_001346720.2).
Identifiers: ClinVar variation 2748117 (VCV002748117.3), dbSNP rs2485167836, ClinGen allele CA368237667.

ClinVar aggregate classification (germline): Likely pathogenic (1 of 4 stars; one submission).

Conditions:
Myoclonic dystonia 11 (DYT11). Also called: Myoclonic dystonia; Dystonia 11; Dystonia, alcohol responsive; Hereditary essential myoclonus; SGCE Myoclonus-Dystonia; Myoclonus-Dystonia. Identifiers: Orphanet 36899, MedGen C1834570, MONDO:0008044, OMIM 159900.

Submission:

Labcorp Genetics (formerly Invitae), Labcorp
Classification: Likely pathogenic for Myoclonic dystonia 11. Last evaluated: 2023-07-29. Review status: criteria provided, single submitter. Criteria: Invitae Variant Classification Sherloc (09022015). Collection method: clinical testing. Allele origin: germline.
Comment: This variant is not present in population databases (gnomAD no frequency). In summary, the currently available evidence indicates that the variant is pathogenic, but additional data are needed to prove that conclusively. Therefore, this variant has been classified as Likely Pathogenic. Algorithms developed to predict the effect of sequence changes on RNA splicing suggest that this variant may disrupt the consensus splice site. This variant has not been reported in the literature in individuals affected with SGCE-related conditions. This sequence change affects a donor splice site in intron 3 of the SGCE gene. It is expected to disrupt RNA splicing. Variants that disrupt the donor or acceptor splice site typically lead to a loss of protein function (PMID: 16199547), and loss-of-function variants in SGCE are known to be pathogenic (PMID: 12821748, 15389977, 17853490, 24297365).

Literature cited by the submitters: PubMed 16199547; PubMed 12821748; PubMed 15389977; PubMed 17853490; PubMed 24297365.